The following is an entry in ClinVar:

NM_033026.6(PCLO):c.10058A>G (p.Glu3353Gly)

Gene: PCLO (piccolo presynaptic cytomatrix protein; minus strand). Cytogenetic location: 7q21.11.
Variant type: single nucleotide variant.
Coding change: c.10058A>G on transcript NM_033026.6 (MANE Select); coding-DNA position 10058, A replaced by G.
Protein change: p.Glu3353Gly; replaces glutamic acid 3353 with glycine.
Molecular consequence: missense variant.
Genome position (GRCh38, 1-based): chr7:82,950,530, T>C on the plus strand (A>G on the coding strand, the complement: PCLO is on the minus strand). VCF-style: chr7-82950530-T-C. GRCh37 (hg19) VCF-style: chr7-82579846-T-C.
Other names: c.10058A>G, p.Glu3353Gly (NM_014510.3); short protein forms E3353G.
Identifiers: ClinVar variation 1488115 (VCV001488115.3), dbSNP rs975249234, ClinGen allele CA161141590.

ClinVar aggregate classification (germline): Uncertain significance (1 of 4 stars; one submission).

Allele frequency attached by ClinVar (database versions not stated): gnomAD exomes below 0.00001; TOPMed below 0.00001; gnomAD 0.00001.
gnomAD v4.1: 3 of 1,613,772 alleles (0.00019%); highest among the groups gnomAD compares: African/African-American, 0.004%; no homozygotes.

Submission:

Labcorp Genetics (formerly Invitae), Labcorp
Classification: Uncertain significance. Last evaluated: 2022-03-31. Review status: criteria provided, single submitter. Criteria: Invitae Variant Classification Sherloc (09022015). Collection method: clinical testing. Allele origin: germline.
Comment: This sequence change replaces glutamic acid, which is acidic and polar, with glycine, which is neutral and non-polar, at codon 3353 of the PCLO protein (p.Glu3353Gly). This variant is not present in population databases (gnomAD no frequency). This variant has not been reported in the literature in individuals affected with PCLO-related conditions. Algorithms developed to predict the effect of missense changes on protein structure and function are either unavailable or do not agree on the potential impact of this missense change (SIFT: "Deleterious"; PolyPhen-2: "Not Available"; Align-GVGD: "Class C0"). In summary, the available evidence is currently insufficient to determine the role of this variant in disease. Therefore, it has been classified as a Variant of Uncertain Significance.